The following is an entry in ClinVar:

NM_001015880.2(PAPSS2):c.1790del (p.Pro597fs)

Gene: PAPSS2 (3'-phosphoadenosine 5'-phosphosulfate synthase 2; plus strand). Cytogenetic location: 10q23.31.
Variant type: Deletion.
Coding change: c.1790del on transcript NM_001015880.2 (MANE Select); coding-DNA position 1790, one base deleted (C; older notation c.1790delC).
Protein change: p.Pro597fs; shifts the reading frame from proline 597.
Molecular consequence: frameshift variant.
Genome position (GRCh38, 1-based): chr10:87,745,900, C deleted; the last of 5 consecutive C bases (chr10:87,745,896-87,745,900); deleting any one gives the same sequence. VCF-style (leftmost placement, unchanged base first): chr10-87745895-TC-T. GRCh37 (hg19) VCF-style: chr10-89505652-TC-T.
Other names: c.1775del, p.Pro592fs (NM_004670.4); short protein forms P592fs, P597fs.
Identifiers: ClinVar variation 1412543 (VCV001412543.6), dbSNP rs1853931929, ClinGen allele CA1926086641.
Genomic context (GRCh38, chr10:87,745,895, plus strand): 5'-CAATGAGTTTGACTTCATCTCAGGAACTCGAATGAGGAAGCTCGCCCGGGAAGGAGAGAA[TC>T]CCCCAGATGGCTTCATGGCCCCCAAAGCATGGAAGGTCCTGACAGATTATTACAGGTCCC-3'

ClinVar aggregate classification (germline): Uncertain significance (1 of 4 stars; one submission).

Conditions:
Spondyloepimetaphyseal dysplasia, PAPSS2 type. Also called: SEMD, PAKISTANI TYPE; BRACHYOLMIA TYPE 4 WITH MILD EPIPHYSEAL AND METAPHYSEAL CHANGES; SPONDYLODYSPLASIA AND PREMATURE PUBARCHE. Identifiers: Orphanet 93282, MedGen C2748516, MONDO:0019666, OMIM 612847.

Submission:

Labcorp Genetics (formerly Invitae), Labcorp
Classification: Uncertain significance for Spondyloepimetaphyseal dysplasia, PAPSS2 type. Last evaluated: 2022-06-20. Review status: criteria provided, single submitter. Criteria: Invitae Variant Classification Sherloc (09022015). Collection method: clinical testing. Allele origin: germline.
Comment: Experimental studies and prediction algorithms are not available or were not evaluated, and the functional significance of this variant is currently unknown. In summary, the available evidence is currently insufficient to determine the role of this variant in disease. Therefore, it has been classified as a Variant of Uncertain Significance. This variant has not been reported in the literature in individuals affected with PAPSS2-related conditions. This variant is not present in population databases (gnomAD no frequency). This sequence change creates a premature translational stop signal (p.Pro597Glnfs*13) in the PAPSS2 gene. While this is not anticipated to result in nonsense mediated decay, it is expected to disrupt the last 23 amino acid(s) of the PAPSS2 protein.